The following is an entry in ClinVar:

NM_002979.5(SCP2):c.921C>G (p.Cys307Trp)

Gene: SCP2 (sterol carrier protein 2; plus strand). Cytogenetic location: 1p32.3.
Variant type: single nucleotide variant.
Coding change: c.921C>G on transcript NM_002979.5 (MANE Select); coding-DNA position 921, C replaced by G.
Protein change: p.Cys307Trp; replaces cysteine 307 with tryptophan.
Molecular consequence: missense variant.
Genome position (GRCh38, 1-based): chr1:52,980,491, C>G. VCF-style: chr1-52980491-C-G. GRCh37 (hg19) VCF-style: chr1-53446163-C-G.
Other names: c.789C>G, p.Cys263Trp (NM_001007098.3, NM_001193600.2); c.849C>G, p.Cys283Trp (NM_001193599.2); c.678C>G, p.Cys226Trp (NM_001193617.2); c.921C>G, p.Cys307Trp (NM_001330587.2); short protein forms C226W, C263W, C283W, C307W.
Identifiers: ClinVar variation 1716822 (VCV001716822.5), dbSNP rs776484889, ClinGen allele CA340382335.

ClinVar aggregate classification (germline): Uncertain significance (1 of 4 stars; one submission).

gnomAD v4.1: 1 of 1,614,006 alleles (0.000062%); highest among the groups gnomAD compares: Non-Finnish European, 0.000085%; no homozygotes.

Submission:

Labcorp Genetics (formerly Invitae), Labcorp
Classification: Uncertain significance. Last evaluated: 2024-10-22. Review status: criteria provided, single submitter. Criteria: Invitae Variant Classification Sherloc (09022015). Collection method: clinical testing. Allele origin: germline.
Comment: This sequence change replaces cysteine, which is neutral and slightly polar, with tryptophan, which is neutral and slightly polar, at codon 307 of the SCP2 protein (p.Cys307Trp). This variant is not present in population databases (gnomAD no frequency). This variant has not been reported in the literature in individuals affected with SCP2-related conditions. ClinVar contains an entry for this variant (Variation ID: 1716822). An algorithm developed to predict the effect of missense changes on protein structure and function (PolyPhen-2) suggests that this variant is likely to be disruptive. In summary, the available evidence is currently insufficient to determine the role of this variant in disease. Therefore, it has been classified as a Variant of Uncertain Significance.